The following is an entry in ClinVar:

NM_001042492.3(NF1):c.6062del (p.Gly2021fs)

Gene: NF1 (neurofibromin 1; plus strand). Cytogenetic location: 17q11.2.
Variant type: Deletion.
Coding change: c.6062del on transcript NM_001042492.3 (MANE Select); coding-DNA position 6062, one base deleted (G; older notation c.6062delG).
Protein change: p.Gly2021fs; shifts the reading frame from glycine 2021.
Molecular consequence: frameshift variant.
Genome position (GRCh38, 1-based): chr17:31,336,388, G deleted; the last of 2 consecutive G bases (chr17:31,336,387-31,336,388); deleting either gives the same sequence. VCF-style (leftmost placement, unchanged base first): chr17-31336386-AG-A. GRCh37 (hg19) VCF-style: chr17-29663404-AG-A.
Other names: c.5999delG (NM_000267.3); c.5999delG, p.Gly2000Valfs (NM_000267.4); short protein forms G2000fs, G2021fs.
Identifiers: ClinVar variation 373546 (VCV000373546.2), dbSNP rs1057518475, ClinGen allele CA16043103.
Genomic context (GRCh38, chr17:31,336,386, plus strand): 5'-CAACTAGATTACAGATCTGCTTGATGTTGTACTAGACAGTTTCATCAAAACCAGTGCAAC[AG>A]GTGGCTTGGGATCAATAAAAGCTGAGGTGATGGCAGATACTGCTGTAGCTTTGGCTTCTG-3'

ClinVar aggregate classification (germline): Pathogenic (1 of 4 stars; one submission).

Submission:

GeneDx
Classification: Pathogenic. Last evaluated: 2016-11-29. Review status: criteria provided, single submitter. Criteria: GeneDx Variant Classification (06012015). Collection method: clinical testing. Allele origin: germline. Affected: yes.
Comment: The c.5999delG pathogenic variant in the NF1 gene causes a frameshift starting with codon Glycine 2000, changes this amino acid to a Valine residue and creates a premature Stop codon at position 6 of the new reading frame, denoted p.Gly2000ValfsX6. This pathogenic variant is predicted to cause loss of normal protein function either through protein truncation or nonsense-mediated mRNA decay. The variant was not observed in approximately 6,500 individuals of European and African American ancestry in the NHLBI Exome Sequencing Project, indicating it is not a common benign variant in these populations.